The following is an entry in ClinVar:

NM_000551.4(VHL):c.291C>T (p.Pro97=)

Gene: VHL (von Hippel-Lindau tumor suppressor; plus strand). Cytogenetic location: 3p25.3.
Variant type: single nucleotide variant.
Coding change: c.291C>T on transcript NM_000551.4 (MANE Select); coding-DNA position 291, C replaced by T.
Protein change: p.Pro97=; no amino-acid change (proline 97 retained).
Molecular consequence: synonymous variant.
Genome position (GRCh38, 1-based): chr3:10,142,138, C>T. VCF-style: chr3-10142138-C-T. GRCh37 (hg19) VCF-style: chr3-10183822-C-T.
Other names: c.291C>T, p.Pro97= (NM_001354723.2, NM_198156.3).
Identifiers: ClinVar variation 456580 (VCV000456580.12), dbSNP rs1805159, ClinGen allele CA432420514.

ClinVar aggregate classification (germline): Benign/Likely benign. Review status: criteria provided, multiple submitters, no conflicts (2 of 4 stars). 4 submissions from 4 submitters: Benign (1); Likely benign (3). Last evaluated 2025-06-10.

Conditions:
Hereditary cancer-predisposing syndrome. Also called: Hereditary Cancer Syndrome; Hereditary neoplastic syndrome; Tumor predisposition; Neoplastic Syndromes, Hereditary. Identifiers: Orphanet 140162, MedGen C0027672, MeSH D009386, MONDO:0015356.
Von Hippel-Lindau syndrome (VHLS). Also called: Von Hippel-Lindau; von Hippel–Lindau syndrome; VHL syndrome. Identifiers: Orphanet 892, MedGen C0019562, MONDO:0008667, OMIM 193300. Disease mechanism: loss of function.
Chuvash polycythemia. Also called: POLYCYTHEMIA, VHL-DEPENDENT. Identifiers: Orphanet 238557, MedGen C1837915, MONDO:0009892, OMIM 263400.

Submissions (4):

Myriad Genetics, Inc.
Classification: Benign for Von Hippel-Lindau syndrome. Last evaluated: 2025-06-10. Review status: criteria provided, single submitter. Criteria: Myriad Autosomal Dominant, Autosomal Recessive and X-Linked Classification Criteria (2023). Collection method: clinical testing. Allele origin: unknown.
Comment: This variant is considered benign. This variant is a silent/synonymous amino acid change and it is not expected to impact splicing.

Labcorp Genetics (formerly Invitae), Labcorp
Classification: Likely benign for Von Hippel-Lindau syndrome; Chuvash polycythemia. Last evaluated: 2025-05-04. Review status: criteria provided, single submitter. Criteria: Invitae Variant Classification Sherloc (09022015). Collection method: clinical testing. Allele origin: germline.

Ambry Genetics
Classification: Likely benign for Hereditary cancer-predisposing syndrome. Last evaluated: 2023-10-09. Review status: criteria provided, single submitter. Criteria: Ambry Variant Classification Scheme 2023. Collection method: clinical testing. Allele origin: germline.

All of Us Research Program, National Institutes of Health
Classification: Likely benign for Von Hippel-Lindau syndrome. Last evaluated: 2022-12-27. Review status: criteria provided, single submitter. Criteria: ACMG Guidelines, 2015. Collection method: clinical testing. Allele origin: germline. Inheritance: Autosomal dominant inheritance. Observed: 1 variant allele, 1 heterozygote.
Comment: This study involves interpretation of variants in research participants for the purpose of population health screening. Participant phenotype was not available at the time of variant classification. Additional details can be found in publication PMID: 35346344, PMCID: PMC8962531